The following is an entry in ClinVar:

ClinVar aggregate classification (germline): Uncertain significance (1 of 4 stars; one submission).

Allele frequency attached by ClinVar (database versions not stated): gnomAD exomes below 0.00001; TOPMed 0.00001.

Submission:

Labcorp Genetics (formerly Invitae), Labcorp
Classification: Uncertain significance. Last evaluated: 2024-04-18. Review status: criteria provided, single submitter. Criteria: Invitae Variant Classification Sherloc (09022015). Collection method: clinical testing. Allele origin: germline.
Comment: This sequence change replaces asparagine, which is neutral and polar, with serine, which is neutral and polar, at codon 2347 of the KMT2A protein (p.Asn2347Ser). This variant is not present in population databases (gnomAD no frequency). This variant has not been reported in the literature in individuals affected with KMT2A-related conditions. Advanced modeling of protein sequence and biophysical properties (such as structural, functional, and spatial information, amino acid conservation, physicochemical variation, residue mobility, and thermodynamic stability) performed at Invitae indicates that this missense variant is not expected to disrupt KMT2A protein function with a negative predictive value of 95%. In summary, the available evidence is currently insufficient to determine the role of this variant in disease. Therefore, it has been classified as a Variant of Uncertain Significance.

NM_001197104.2(KMT2A):c.7040A>G (p.Asn2347Ser)

Gene: KMT2A (lysine methyltransferase 2A; plus strand). Cytogenetic location: 11q23.3.
Variant type: single nucleotide variant.
Coding change: c.7040A>G on transcript NM_001197104.2 (MANE Select); coding-DNA position 7040, A replaced by G.
Protein change: p.Asn2347Ser; replaces asparagine 2347 with serine.
Molecular consequence: missense variant.
Genome position (GRCh38, 1-based): chr11:118,502,932, A>G. VCF-style: chr11-118502932-A-G. GRCh37 (hg19) VCF-style: chr11-118373647-A-G.
Other names: c.7130A>G, p.Asn2377Ser (NM_001412597.1); c.7031A>G, p.Asn2344Ser (NM_005933.4); short protein forms N2344S, N2377S, N2347S.
Identifiers: ClinVar variation 2881570 (VCV002881570.3), dbSNP rs1950523763, ClinGen allele CA382804085.